The following is an entry in ClinVar:

NM_001614.5(ACTG1):c.996C>A (p.Pro332=)

Gene: ACTG1 (actin gamma 1; minus strand). Cytogenetic location: 17q25.3.
Variant type: single nucleotide variant.
Coding change: c.996C>A on transcript NM_001614.5 (MANE Select); coding-DNA position 996, C replaced by A.
Protein change: p.Pro332=; no amino-acid change (proline 332 retained).
Molecular consequence: synonymous variant. On other transcripts: non-coding transcript variant (1).
Genome position (GRCh38, 1-based): chr17:81,510,822, G>T on the plus strand (C>A on the coding strand, the complement: ACTG1 is on the minus strand). VCF-style: chr17-81510822-G-T. GRCh37 (hg19) VCF-style: chr17-79477848-G-T.
Other names: p.Pro332=; c.996C>A, p.Pro332= (NM_001199954.3).
Identifiers: ClinVar variation 162711 (VCV000162711.16), dbSNP rs200089021, ClinGen allele CA175190.

ClinVar aggregate classification (germline): Likely benign. Review status: criteria provided, multiple submitters, no conflicts (2 of 4 stars). 6 submissions from 6 submitters: Likely benign (6). Last evaluated 2026-02-09.

Conditions:
ACTG1-related disorder. Also called: ACTG1-related condition; ACTG1-related disorders.
Autosomal dominant nonsyndromic hearing loss 20. Identifiers: Orphanet 90635, MedGen C1858172, MONDO:0011480, OMIM 604717.
Baraitser-winter syndrome 2. Identifiers: Orphanet 2995, MedGen C3281235, MONDO:0013812, OMIM 614583.

Allele frequency attached by ClinVar (database versions not stated): 1000 Genomes Project 30x 0.00016; 1000 Genomes Project 0.00020.
gnomAD v4.1: 282 of 1,613,958 alleles (0.017%); highest among the groups gnomAD compares: Non-Finnish European, 0.023%; no homozygotes.

Submissions (6):

PreventionGenetics, part of Exact Sciences
Classification: Likely benign for ACTG1-related condition. Last evaluated: 2026-02-09. Review status: criteria provided, single submitter. Criteria: ACMG Guidelines, 2015. Collection method: clinical testing. Allele origin: germline.
Comment: This variant is classified as likely benign based on ACMG/AMP sequence variant interpretation guidelines (Richards et al. 2015 PMID: 25741868, with internal and published modifications).

Labcorp Genetics (formerly Invitae), Labcorp
Classification: Likely benign for Baraitser-winter syndrome 2; Autosomal dominant nonsyndromic hearing loss 20. Last evaluated: 2025-08-11. Review status: criteria provided, single submitter. Criteria: Invitae Variant Classification Sherloc (09022015). Collection method: clinical testing. Allele origin: germline.

Mayo Clinic Laboratories, Mayo Clinic
Classification: Likely benign. Last evaluated: 2025-01-10. Review status: criteria provided, single submitter. Criteria: ACMG Guidelines, 2015. Collection method: clinical testing. Allele origin: germline. Observed: 1 variant allele.
Comment: BP4, BP7

Blueprint Genetics
Classification: Likely benign. Last evaluated: 2024-10-24. Review status: criteria provided, single submitter. Criteria: ACMG Guidelines, 2015. Collection method: clinical testing. Allele origin: germline.

GeneDx
Classification: Likely benign. Last evaluated: 2020-12-15. Review status: criteria provided, single submitter. Criteria: GeneDx Variant Classification Process June 2021. Collection method: clinical testing. Allele origin: germline. Affected: yes.

Laboratory for Molecular Medicine, Mass General Brigham Personalized Medicine
Classification: Likely benign. Last evaluated: 2014-05-02. Review status: criteria provided, single submitter. Criteria: LMM Criteria. Collection method: clinical testing. Allele origin: germline. Observed: 1 variant allele.
Comment: Pro332Pro in exon 6 of ACTG1: This variant is not expected to have clinical sign ificance because it does not alter an amino acid residue and is not located with in the splice consensus sequence. It has been identified in 1/178 (0.5%) British chromosomes by the 1000 Genomes Project (dbSNP rs20 0089021).